The following is an entry in ClinVar:

ClinVar aggregate classification (germline): Likely benign (1 of 4 stars; one submission).

Conditions:
INF2-related disorder. Also called: INF2-related condition.

gnomAD v4.1: 9 of 1,607,478 alleles (0.00056%); highest among the groups gnomAD compares: South Asian, 0.0011%; no homozygotes.

Submission:

PreventionGenetics, part of Exact Sciences
Classification: Likely benign for INF2-related condition. Last evaluated: 2026-02-06. Review status: criteria provided, single submitter. Criteria: ACMG Guidelines, 2015. Collection method: clinical testing. Allele origin: germline.
Comment: This variant is classified as likely benign based on ACMG/AMP sequence variant interpretation guidelines (Richards et al. 2015 PMID: 25741868, with internal and published modifications).

NM_022489.4(INF2):c.216C>T (p.Ser72=)

Gene: INF2 (inverted formin 2; plus strand). Cytogenetic location: 14q32.33.
Variant type: single nucleotide variant.
Coding change: c.216C>T on transcript NM_022489.4 (MANE Select); coding-DNA position 216, C replaced by T.
Protein change: p.Ser72=; no amino-acid change (serine 72 retained).
Molecular consequence: synonymous variant. On other transcripts: non-coding transcript variant (1).
Genome position (GRCh38, 1-based): chr14:104,701,581, C>T. VCF-style: chr14-104701581-C-T. GRCh37 (hg19) VCF-style: chr14-105167918-C-T.
Other names: c.216C>T, p.Ser72= (NM_001031714.4, NM_001426862.1, NM_001426863.1 and 6 more transcripts).
Identifiers: ClinVar variation 4978348 (VCV004978348.1).
Genomic context (GRCh38, chr14:104,701,581, plus strand): 5'-CCTGCGCAAGCGCCTGGAGGGCAGCGACGGCGGCTGGATGGTGCAGTTCCTGGAGCAGAG[C>T]GGCCTGGACCTGCTGCTGGAGGCGCTGGCGCGGCTGTCGGGCCGCGGCGTTGCACGTATC-3'
Protein context (NP_071934.3, residues 62-82): GGWMVQFLEQ[Ser72=]GLDLLLEALA